The following is an entry in ClinVar:

ClinVar aggregate classification (germline): Uncertain significance (1 of 4 stars; one submission).

Conditions:
Alstrom syndrome (ALMS). Identifiers: Orphanet 64, MedGen C0268425, MONDO:0008763, OMIM 203800.

Allele frequency attached by ClinVar (database versions not stated): TOPMed below 0.00001.

Submission:

Labcorp Genetics (formerly Invitae), Labcorp
Classification: Uncertain significance for Alstrom syndrome. Last evaluated: 2021-11-01. Review status: criteria provided, single submitter. Criteria: Invitae Variant Classification Sherloc (09022015). Collection method: clinical testing. Allele origin: germline.
Comment: This sequence change replaces serine, which is neutral and polar, with arginine, which is basic and polar, at codon 2582 of the ALMS1 protein (p.Ser2582Arg). This variant is present in population databases (no rsID available, gnomAD 0.006%). This variant has not been reported in the literature in individuals affected with ALMS1-related conditions. Experimental studies and prediction algorithms are not available or were not evaluated, and the functional significance of this variant is currently unknown. In summary, the available evidence is currently insufficient to determine the role of this variant in disease. Therefore, it has been classified as a Variant of Uncertain Significance.

NM_001378454.1(ALMS1):c.7743C>A (p.Ser2581Arg)

Gene: ALMS1 (ALMS1 centrosome and basal body associated protein; plus strand). Cytogenetic location: 2p13.1.
Variant type: single nucleotide variant.
Coding change: c.7743C>A on transcript NM_001378454.1 (MANE Select); coding-DNA position 7743, C replaced by A.
Protein change: p.Ser2581Arg; replaces serine 2581 with arginine.
Molecular consequence: missense variant.
Genome position (GRCh38, 1-based): chr2:73,489,702, C>A. VCF-style: chr2-73489702-C-A. GRCh37 (hg19) VCF-style: chr2-73716829-C-A.
Other names: c.7746C>A, p.Ser2582Arg (NM_015120.4); short protein forms S2581R, S2582R.
Identifiers: ClinVar variation 1447146 (VCV001447146.3), dbSNP rs370740871, ClinGen allele CA347263974.